The following is an entry in ClinVar:

ClinVar aggregate classification (germline): Likely pathogenic. Review status: criteria provided, single submitter (1 of 4 stars). 2 submissions from 2 submitters: Likely pathogenic (1). 1 of the submissions does not count toward it. Last evaluated 2022-01-12.

Conditions:
Diamond-Blackfan anemia 1 (DBA1). Also called: BLACKFAN-DIAMOND SYNDROME; ANEMIA, CONGENITAL HYPOPLASTIC, OF BLACKFAN AND DIAMOND; ANEMIA, CONGENITAL ERYTHROID HYPOPLASTIC; RED CELL APLASIA, PURE, HEREDITARY; AREGENERATIVE ANEMIA, CHRONIC CONGENITAL; ERYTHROGENESIS IMPERFECTA. Identifiers: Orphanet 124, MedGen C2676137, MONDO:0007110, OMIM 105650.
Diamond-Blackfan anemia. Also called: Aase syndrome; Blackfan Diamond syndrome; Aregenerative anemia chronic congenital; Red cell aplasia, pure hereditary; Congenital hypoplastic anemia. Identifiers: Orphanet 124, MedGen C1260899, MeSH D029503, MONDO:0015253, HP:0004810.

Submissions (2):

Labcorp Genetics (formerly Invitae), Labcorp
Classification: Likely pathogenic for Diamond-Blackfan anemia. Last evaluated: 2022-01-12. Review status: criteria provided, single submitter. Criteria: Invitae Variant Classification Sherloc (09022015). Collection method: clinical testing. Allele origin: germline.
Comment: In summary, the currently available evidence indicates that the variant is pathogenic, but additional data are needed to prove that conclusively. Therefore, this variant has been classified as Likely Pathogenic. Experimental studies have shown that this missense change affects RPS19 function (PMID: 12586610, 17517689, 18768533). This sequence change replaces glycine, which is neutral and non-polar, with glutamic acid, which is acidic and polar, at codon 127 of the RPS19 protein (p.Gly127Glu). This variant is not present in population databases (gnomAD no frequency). This missense change has been observed in individuals with clinical features of Diamond-Blackfan anemia (PMID: 10590074, 31574871; Invitae). ClinVar contains an entry for this variant (Variation ID: 6320). Algorithms developed to predict the effect of missense changes on protein structure and function (SIFT, PolyPhen-2, Align-GVGD) all suggest that this variant is likely to be disruptive.

OMIM
Classification: Pathogenic for DIAMOND-BLACKFAN ANEMIA 1. Last evaluated: 2007-07-15. Review status: no assertion criteria provided. Collection method: literature only. Allele origin: germline. Not counted in ClinVar's aggregate classification.

Literature cited by the submitters: PubMed 12586610 (cited by Labcorp Genetics (formerly Invitae), Labcorp and OMIM); PubMed 17517689 (cited by Labcorp Genetics (formerly Invitae), Labcorp and OMIM); PubMed 18768533 (cited by Labcorp Genetics (formerly Invitae), Labcorp); PubMed 10590074 (cited by Labcorp Genetics (formerly Invitae), Labcorp and OMIM); PubMed 31574871 (cited by Labcorp Genetics (formerly Invitae), Labcorp).

NM_001022.4(RPS19):c.380G>A (p.Gly127Glu)

Genes: RPS19 (ribosomal protein S19; plus strand), RPS19-CD79A (RPS19-CD79A readthrough; plus strand). Cytogenetic location: 19q13.2.
Variant type: single nucleotide variant.
Coding change: c.380G>A on transcript NM_001022.4 (MANE Select); coding-DNA position 380, G replaced by A.
Protein change: p.Gly127Glu; replaces glycine 127 with glutamic acid.
Molecular consequence: missense variant. On other transcripts: synonymous variant (1).
Genome position (GRCh38, 1-based): chr19:41,869,722, G>A. VCF-style: chr19-41869722-G-A. GRCh37 (hg19) VCF-style: chr19-42373792-G-A.
Other names: c.380G>A, p.Gly127Glu (NM_001321483.2, NM_001321484.2); c.393G>A, p.Gly131= (NM_001321485.2); short protein forms G127E.
Identifiers: ClinVar variation 6320 (VCV000006320.6), dbSNP rs786200936, ClinGen allele CA130769.
Genomic context (GRCh38, chr19:41,869,722, plus strand): 5'-GCTCACTGGGGCCTGCATGACCCTTCCCTCCCCACAGCGGCCGCAAACTGACACCTCAGG[G>A]ACAAAGAGATCTGGACAGAATCGCCGGACAGGTAAGGCCTGCGTTTGGGGTGGGGCTGGG-3'
Protein context (NP_001013.1, residues 117-137): QDGGRKLTPQ[Gly127Glu]QRDLDRIAGQ